The following is an entry in ClinVar:

ClinVar aggregate classification (germline): Uncertain significance (1 of 4 stars; one submission).

Conditions:
Ataxia-telangiectasia syndrome (AT). Also called: Ataxia-telangiectasia, complementation group D; LOUIS-BAR SYNDROME; ATAXIA-TELANGIECTASIA, COMPLEMENTATION GROUP A; ATAXIA-TELANGIECTASIA, FRESNO VARIANT; Ataxia telangiectasia (A-T); Cerebello-oculocutaneous telangiectasia. Identifiers: Orphanet 100, MedGen C0004135, MONDO:0008840, OMIM 208900.

Submission:

Labcorp Genetics (formerly Invitae), Labcorp
Classification: Uncertain significance for Ataxia-telangiectasia syndrome. Last evaluated: 2023-10-09. Review status: criteria provided, single submitter. Criteria: Invitae Variant Classification Sherloc (09022015). Collection method: clinical testing. Allele origin: germline.
Comment: This sequence change replaces serine, which is neutral and polar, with tyrosine, which is neutral and polar, at codon 497 of the ATM protein (p.Ser497Tyr). This variant is not present in population databases (gnomAD no frequency). This variant has not been reported in the literature in individuals affected with ATM-related conditions. An algorithm developed to predict the effect of missense changes on protein structure and function (PolyPhen-2) suggests that this variant is likely to be tolerated. In summary, the available evidence is currently insufficient to determine the role of this variant in disease. Therefore, it has been classified as a Variant of Uncertain Significance.

NM_000051.4(ATM):c.1490C>A (p.Ser497Tyr)

Gene: ATM (ATM serine/threonine kinase; plus strand). Cytogenetic location: 11q22.3.
Variant type: single nucleotide variant.
Coding change: c.1490C>A on transcript NM_000051.4 (MANE Select); coding-DNA position 1490, C replaced by A.
Protein change: p.Ser497Tyr; replaces serine 497 with tyrosine.
Molecular consequence: missense variant.
Genome position (GRCh38, 1-based): chr11:108,250,955, C>A. VCF-style: chr11-108250955-C-A. GRCh37 (hg19) VCF-style: chr11-108121682-C-A.
Other names: c.1490C>A, p.Ser497Tyr (NM_001351834.2); short protein forms S497Y.
Identifiers: ClinVar variation 2767249 (VCV002767249.3), dbSNP rs2135324525, ClinGen allele CA382534206.
Genomic context (GRCh38, chr11:108,250,955, plus strand): 5'-AGTCAGATTTATTAAAACTCTGGAATAAAATTTGGTGTATTACCTTTCGTGGTATAAGTT[C>A]TGAGCAAATACAAGCTGAAAACTTTGGCTTACTTGGAGCCATAATTCAGGGTAGTTTAGT-3'
Protein context (NP_000042.3, residues 487-507): IWCITFRGIS[Ser497Tyr]EQIQAENFGL